The following is an entry in ClinVar:

NM_014679.5(CEP57):c.441G>C (p.Leu147Phe)

Gene: CEP57 (centrosomal protein 57; plus strand). Cytogenetic location: 11q21.
Variant type: single nucleotide variant.
Coding change: c.441G>C on transcript NM_014679.5 (MANE Select); coding-DNA position 441, G replaced by C.
Protein change: p.Leu147Phe; replaces leucine 147 with phenylalanine.
Molecular consequence: missense variant.
Genome position (GRCh38, 1-based): chr11:95,813,526, G>C. VCF-style: chr11-95813526-G-C. GRCh37 (hg19) VCF-style: chr11-95546690-G-C.
Other names: c.414G>C, p.Leu138Phe (NM_001243776.2); c.441G>C, p.Leu147Phe (NM_001243777.2, NM_001440871.1, NM_001440872.1 and 4 more transcripts); c.360G>C, p.Leu120Phe (NM_001363604.2, NM_001440869.1, NM_001440870.1 and 3 more transcripts); c.261G>C, p.Leu87Phe (NM_001440873.1, NM_001440881.1); c.180G>C, p.Leu60Phe (NM_001440880.1); short protein forms L138F, L87F, L120F, L60F, L147F.
Identifiers: ClinVar variation 4613461 (VCV004613461.1).

ClinVar aggregate classification (germline): Uncertain significance (1 of 4 stars; one submission).

Conditions:
Inborn genetic diseases. Identifiers: MedGen C0950123, MeSH D030342.

Submission:

Ambry Genetics
Classification: Uncertain significance for Inborn genetic diseases. Last evaluated: 2025-09-25. Review status: criteria provided, single submitter. Criteria: Ambry Variant Classification Scheme 2023. Collection method: clinical testing. Allele origin: germline.
Comment: The p.L147F variant (also known as c.441G>C), located in coding exon 4 of the CEP57 gene, results from a G to C substitution at nucleotide position 441. The leucine at codon 147 is replaced by phenylalanine, an amino acid with highly similar properties. This amino acid position is conserved. In addition, this alteration is predicted to be deleterious by in silico analysis. Based on the available evidence, the clinical significance of this variant remains unclear.